The following is an entry in ClinVar:

ClinVar aggregate classification (germline): Pathogenic/Likely pathogenic. Review status: criteria provided, multiple submitters, no conflicts (2 of 4 stars). 2 submissions from 2 submitters: Pathogenic (1); Likely pathogenic (1). Last evaluated 2026-02-19.

Conditions:
Hypertrophic cardiomyopathy. Also called: HYPERTROPHIC MYOCARDIOPATHY. Identifiers: Orphanet 217569, MedGen C0007194, MeSH D002312, MONDO:0005045, HP:0001639.

Submissions (2):

GeneDx
Classification: Likely pathogenic. Last evaluated: 2026-02-19. Review status: criteria provided, single submitter. Criteria: GeneDx Variant Classification Process June 2021. Collection method: clinical testing. Allele origin: germline.
Comment: Not observed at significant frequency in large population cohorts (gnomAD); In silico analysis supports that this missense variant has a deleterious effect on protein structure/function; Has not been previously published as pathogenic or benign to our knowledge; This variant is associated with the following publications: (PMID: 27532257, 29300372)

Labcorp Genetics (formerly Invitae), Labcorp
Classification: Pathogenic for Hypertrophic cardiomyopathy. Last evaluated: 2024-07-23. Review status: criteria provided, single submitter. Criteria: Invitae Variant Classification Sherloc (09022015). Collection method: clinical testing. Allele origin: germline.
Comment: This sequence change replaces arginine, which is basic and polar, with serine, which is neutral and polar, at codon 712 of the MYH7 protein (p.Arg712Ser). This variant is not present in population databases (gnomAD no frequency). This missense change has been observed in individuals with dilated cardiomyopathy (Invitae). ClinVar contains an entry for this variant (Variation ID: 841613). Advanced modeling of protein sequence and biophysical properties (such as structural, functional, and spatial information, amino acid conservation, physicochemical variation, residue mobility, and thermodynamic stability) performed at Invitae indicates that this missense variant is expected to disrupt MYH7 protein function with a positive predictive value of 95%. This variant disrupts the p.Arg712 amino acid residue in MYH7. Other variant(s) that disrupt this residue have been determined to be pathogenic (PMID: 28855170, 32410215; Invitae). This suggests that this residue is clinically significant, and that variants that disrupt this residue are likely to be disease-causing. For these reasons, this variant has been classified as Pathogenic.

Literature cited by the submitters: PubMed 28855170 (cited by Labcorp Genetics (formerly Invitae), Labcorp); PubMed 32410215 (cited by Labcorp Genetics (formerly Invitae), Labcorp).

NM_000257.4(MYH7):c.2134C>A (p.Arg712Ser)

Gene: MYH7 (myosin heavy chain 7; minus strand). Cytogenetic location: 14q11.2.
Variant type: single nucleotide variant.
Coding change: c.2134C>A on transcript NM_000257.4 (MANE Select); coding-DNA position 2134, C replaced by A.
Protein change: p.Arg712Ser; replaces arginine 712 with serine.
Molecular consequence: missense variant.
Genome position (GRCh38, 1-based): chr14:23,425,992, G>T on the plus strand (C>A on the coding strand, the complement: MYH7 is on the minus strand). VCF-style: chr14-23425992-G-T. GRCh37 (hg19) VCF-style: chr14-23895201-G-T.
Other names: c.2134C>A (NM_000257.2); short protein forms R712S.
Identifiers: ClinVar variation 841613 (VCV000841613.10), dbSNP rs749007293, ClinGen allele CA389049059.